The following is an entry in ClinVar:

NM_017617.5(NOTCH1):c.5804C>T (p.Ala1935Val)

Gene: NOTCH1 (notch receptor 1; minus strand). Cytogenetic location: 9q34.3.
Variant type: single nucleotide variant.
Coding change: c.5804C>T on transcript NM_017617.5 (MANE Select); coding-DNA position 5804, C replaced by T.
Protein change: p.Ala1935Val; replaces alanine 1935 with valine.
Molecular consequence: missense variant.
Genome position (GRCh38, 1-based): chr9:136,500,682, G>A on the plus strand (C>T on the coding strand, the complement: NOTCH1 is on the minus strand). VCF-style: chr9-136500682-G-A. GRCh37 (hg19) VCF-style: chr9-139395134-G-A.
Other names: c.5804C>T, p.Ala1935Val (LRG_1122t1); short protein forms A1935V.
Identifiers: ClinVar variation 652315 (VCV000652315.8), dbSNP rs374787627, ClinGen allele CA5340124.
Genomic context (GRCh38, chr9:136,500,682, plus strand): 5'-TTGGCATCTGCGCTGGCCTCCAGCAGGCGCTTGGCGGCATCAGAGCGTGAGTAGCGGGCG[G>A]CCAGGTGCAAGGCGGTCTCGCCCGTGCGGTCTGTCTGGTTGTGCAGGCTGGCGCCCTGGT-3'
Protein context (NP_060087.3, residues 1925-1945): DRTGETALHL[Ala1935Val]ARYSRSDAAK

ClinVar aggregate classification (germline): Uncertain significance (1 of 4 stars; one submission).

Conditions:
Adams-Oliver syndrome 5 (AOS5). Identifiers: Orphanet 974, MedGen C4014970, MONDO:0014459, OMIM 616028.

Allele frequency attached by ClinVar (database versions not stated): TOPMed below 0.00001; ExAC 0.00001; gnomAD 0.00001; ESP Exome Variant Server 0.00008.

Submission:

Labcorp Genetics (formerly Invitae), Labcorp
Classification: Uncertain significance for Adams-Oliver syndrome 5. Last evaluated: 2022-11-08. Review status: criteria provided, single submitter. Criteria: Invitae Variant Classification Sherloc (09022015). Collection method: clinical testing. Allele origin: germline.
Comment: This sequence change replaces alanine, which is neutral and non-polar, with valine, which is neutral and non-polar, at codon 1935 of the NOTCH1 protein (p.Ala1935Val). The frequency data for this variant in the population databases is considered unreliable, as metrics indicate poor data quality at this position in the gnomAD database. This variant has not been reported in the literature in individuals affected with NOTCH1-related conditions. ClinVar contains an entry for this variant (Variation ID: 652315). Advanced modeling of protein sequence and biophysical properties (such as structural, functional, and spatial information, amino acid conservation, physicochemical variation, residue mobility, and thermodynamic stability) performed at Invitae indicates that this missense variant is expected to disrupt NOTCH1 protein function. In summary, the available evidence is currently insufficient to determine the role of this variant in disease. Therefore, it has been classified as a Variant of Uncertain Significance.